The following is an entry in ClinVar:

NM_001177316.2(SLC34A3):c.458T>C (p.Val153Ala)

Gene: SLC34A3 (solute carrier family 34 member 3; plus strand). Cytogenetic location: 9q34.3.
Variant type: single nucleotide variant.
Coding change: c.458T>C on transcript NM_001177316.2 (MANE Select); coding-DNA position 458, T replaced by C.
Protein change: p.Val153Ala; replaces valine 153 with alanine.
Molecular consequence: missense variant.
Genome position (GRCh38, 1-based): chr9:137,233,013, T>C. VCF-style: chr9-137233013-T-C. GRCh37 (hg19) VCF-style: chr9-140127465-T-C.
Other names: c.458T>C, p.Val153Ala (NM_001177317.2, NM_080877.3); short protein forms V153A.
Identifiers: ClinVar variation 1320799 (VCV001320799.8), dbSNP rs139302994, ClinGen allele CA5364422.

ClinVar aggregate classification (germline): Conflicting classifications of pathogenicity. Review status: criteria provided, conflicting classifications (1 of 4 stars). 3 submissions from 3 submitters: Uncertain significance (2); Likely benign (1). Last evaluated 2025-11-23.

Conditions:
Autosomal recessive hypophosphatemic bone disease (HHRH). Also called: Hypophosphatemic rickets with hypercalciuria; HYPERCALCIURIC RICKETS. Identifiers: Orphanet 157215, MedGen C1853271, MONDO:0009431, OMIM 241530.

Allele frequency attached by ClinVar (database versions not stated): gnomAD 0.00003; gnomAD exomes 0.00003 and 0.00010; ExAC 0.00005; TOPMed 0.00005; ESP Exome Variant Server 0.00008.
gnomAD v4.1: 55 of 1,611,576 alleles (0.0034%); highest among the groups gnomAD compares: Non-Finnish European, 0.00051%; no homozygotes.

Submissions (3):

Labcorp Genetics (formerly Invitae), Labcorp
Classification: Likely benign. Last evaluated: 2025-11-23. Review status: criteria provided, single submitter. Criteria: Invitae Variant Classification Sherloc (09022015). Collection method: clinical testing. Allele origin: germline.

Fulgent Genetics
Classification: Uncertain significance for Autosomal recessive hypophosphatemic bone disease. Last evaluated: 2022-05-12. Review status: criteria provided, single submitter. Criteria: ACMG Guidelines, 2015. Collection method: clinical testing. Allele origin: unknown.

GeneDx
Classification: Uncertain significance. Last evaluated: 2019-12-31. Review status: criteria provided, single submitter. Criteria: GeneDx Variant Classification Process June 2021. Collection method: clinical testing. Allele origin: germline. Affected: yes.
Comment: In silico analysis, which includes protein predictors and evolutionary conservation, supports a deleterious effect; In-silico analysis, which includes splice predictors and evolutionary conservation, is inconclusive as to whether the variant alters gene splicing. In the absence of RNA/functional studies, the actual effect of this sequence change is unknown.; Has not been previously published as pathogenic or benign to our knowledge